The following is an entry in ClinVar:

NM_001845.6(COL4A1):c.2069G>A (p.Gly690Glu)

Gene: COL4A1 (collagen type IV alpha 1 chain; minus strand). Cytogenetic location: 13q34.
Variant type: single nucleotide variant.
Coding change: c.2069G>A on transcript NM_001845.6 (MANE Select); coding-DNA position 2069, G replaced by A.
Protein change: p.Gly690Glu; replaces glycine 690 with glutamic acid.
Molecular consequence: missense variant.
Genome position (GRCh38, 1-based): chr13:110,183,019, C>T on the plus strand (G>A on the coding strand, the complement: COL4A1 is on the minus strand). VCF-style: chr13-110183019-C-T. GRCh37 (hg19) VCF-style: chr13-110835366-C-T.
Other names: short protein forms G690E.
Identifiers: ClinVar variation 2696751 (VCV002696751.4), dbSNP rs1013805396, ClinGen allele CA256262252.
Genomic context (GRCh38, chr13:110,183,019, plus strand): 5'-GGACCAAAGGCTCGGGTCCGTCTGGCAGGGTTACCTTTGGGGCCGGGGGGCCCTGGAAAT[C>T]CAATGCCTGGCTGGCCCACAGCGCCCTTCTCTCCTGGCAGGCCTGGCCTTCCTGGGGTTC-3'
Protein context (NP_001836.3, residues 680-700): EKGAVGQPGI[Gly690Glu]FPGPPGPKGV

ClinVar aggregate classification (germline): Conflicting classifications of pathogenicity. Review status: criteria provided, conflicting classifications (1 of 4 stars). 2 submissions from 2 submitters: Likely pathogenic (1); Uncertain significance (1). Last evaluated 2025-12-06.

Allele frequency attached by ClinVar (database versions not stated): gnomAD exomes below 0.00001.
gnomAD v4.1: 3 of 1,613,174 alleles (0.00019%); highest among the groups gnomAD compares: Admixed American, 0.005%; no homozygotes.

Submissions (2):

Labcorp Genetics (formerly Invitae), Labcorp
Classification: Uncertain significance. Last evaluated: 2025-12-06. Review status: criteria provided, single submitter. Criteria: Invitae Variant Classification Sherloc (09022015). Collection method: clinical testing. Allele origin: germline.
Comment: This sequence change replaces glycine, which is neutral and non-polar, with glutamic acid, which is acidic and polar, at codon 690 of the COL4A1 protein (p.Gly690Glu). This variant is not present in population databases (gnomAD no frequency). This missense change has been observed in individual(s) with clinical features of COL4A1-related conditions (PMID: 34673242). ClinVar contains an entry for this variant (Variation ID: 2696751). Invitae Evidence Modeling of protein sequence and biophysical properties (such as structural, functional, and spatial information, amino acid conservation, physicochemical variation, residue mobility, and thermodynamic stability) has been performed for this missense variant. However, the output from this modeling did not meet the statistical confidence thresholds required to predict the impact of this variant on COL4A1 protein function. In summary, the available evidence is currently insufficient to determine the role of this variant in disease. Therefore, it has been classified as a Variant of Uncertain Significance.

Revvity Omics, Revvity
Classification: Likely pathogenic. Last evaluated: 2024-12-18. Review status: criteria provided, single submitter. Criteria: ACMG Guidelines, 2015. Collection method: clinical testing. Allele origin: germline.

Literature cited by the submitters: PubMed 34673242 (cited by Labcorp Genetics (formerly Invitae), Labcorp).